The following is an entry in ClinVar:

ClinVar aggregate classification (germline): Pathogenic (1 of 4 stars; one submission).

Submission:

Labcorp Genetics (formerly Invitae), Labcorp
Classification: Pathogenic. Last evaluated: 2023-11-18. Review status: criteria provided, single submitter. Criteria: Invitae Variant Classification Sherloc (09022015). Collection method: clinical testing. Allele origin: germline.
Comment: This sequence change creates a premature translational stop signal (p.Thr1352Glnfs*25) in the VPS13A gene. It is expected to result in an absent or disrupted protein product. Loss-of-function variants in VPS13A are known to be pathogenic (PMID: 12404112, 21598378). This variant is not present in population databases (gnomAD no frequency). This variant has not been reported in the literature in individuals affected with VPS13A-related conditions. For these reasons, this variant has been classified as Pathogenic.

Literature cited by the submitters: PubMed 12404112; PubMed 21598378.

NM_033305.3(VPS13A):c.4054del (p.Thr1352fs)

Gene: VPS13A (vacuolar protein sorting 13 homolog A; plus strand). Cytogenetic location: 9q21.2.
Variant type: Deletion.
Coding change: c.4054del on transcript NM_033305.3 (MANE Select); coding-DNA position 4054, one base deleted (A; older notation c.4054delA).
Protein change: p.Thr1352fs; shifts the reading frame from threonine 1352.
Molecular consequence: frameshift variant.
Genome position (GRCh38, 1-based): chr9:77,308,038, A deleted; the last of 2 consecutive A bases (chr9:77,308,037-77,308,038); deleting either gives the same sequence. VCF-style (leftmost placement, unchanged base first): chr9-77308036-TA-T. GRCh37 (hg19) VCF-style: chr9-79922952-TA-T.
Other names: c.3937del, p.Thr1313fs (NM_001018037.2); c.4054del, p.Thr1352fs (NM_001018038.3, NM_015186.4); short protein forms T1313fs, T1352fs.
Identifiers: ClinVar variation 2867396 (VCV002867396.3), dbSNP rs2537953347, ClinGen allele CA2690371616.